The following is an entry in ClinVar:

ClinVar aggregate classification (germline): Benign/Likely benign. Review status: criteria provided, multiple submitters, no conflicts (2 of 4 stars). 3 submissions from 3 submitters: Benign (1); Likely benign (2). Last evaluated 2025-09-04.

Conditions:
Hereditary cancer-predisposing syndrome. Also called: Neoplastic Syndromes, Hereditary; Hereditary neoplastic syndrome; Tumor predisposition; Hereditary Cancer Syndrome. Identifiers: Orphanet 140162, MedGen C0027672, MeSH D009386, MONDO:0015356.
Hereditary diffuse gastric adenocarcinoma (HDGC). Also called: DIFFUSE GASTRIC AND LOBULAR BREAST CANCER SYNDROME. Identifiers: Orphanet 26106, MedGen C1708349, MONDO:0007648, OMIM 137215.

Submissions (3):

Ambry Genetics
Classification: Likely benign for Hereditary cancer-predisposing syndrome. Last evaluated: 2025-09-04. Review status: criteria provided, single submitter. Criteria: Ambry Variant Classification Scheme 2023. Collection method: clinical testing. Allele origin: germline.

Labcorp Genetics (formerly Invitae), Labcorp
Classification: Likely benign. Last evaluated: 2025-02-13. Review status: criteria provided, single submitter. Criteria: Invitae Variant Classification Sherloc (09022015). Collection method: clinical testing. Allele origin: germline.

Myriad Genetics, Inc.
Classification: Benign for Hereditary diffuse gastric adenocarcinoma. Last evaluated: 2024-10-09. Review status: criteria provided, single submitter. Criteria: Myriad Autosomal Dominant, Autosomal Recessive and X-Linked Classification Criteria (2023). Collection method: clinical testing. Allele origin: unknown.
Comment: This variant is considered benign. This variant is a silent/synonymous amino acid change and it is not expected to impact splicing.

NM_001903.5(CTNNA1):c.324A>G (p.Ala108=)

Gene: CTNNA1 (catenin alpha 1; plus strand). Cytogenetic location: 5q31.2.
Variant type: single nucleotide variant.
Coding change: c.324A>G on transcript NM_001903.5 (MANE Select); coding-DNA position 324, A replaced by G.
Protein change: p.Ala108=; no amino-acid change (alanine 108 retained).
Molecular consequence: synonymous variant. On other transcripts: intron variant (1).
Genome position (GRCh38, 1-based): chr5:138,810,060, A>G. VCF-style: chr5-138810060-A-G. GRCh37 (hg19) VCF-style: chr5-138145749-A-G.
Other names: c.324A>G (NM_001903.2); c.324A>G, p.Ala108= (NM_001290307.3, NM_001323982.2, NM_001323983.1 and 3 more transcripts); c.15A>G, p.Ala5= (NM_001290309.3); c.-5-41A>G (NM_001290310.3).
Identifiers: ClinVar variation 1133134 (VCV001133134.11), dbSNP rs2149727004, ClinGen allele CA446590743.